The following is an entry in ClinVar:

NM_000252.3(MTM1):c.1260+17A>G

Gene: MTM1 (myotubularin 1; plus strand). Cytogenetic location: Xq28.
Variant type: single nucleotide variant.
Coding change: c.1260+17A>G on transcript NM_000252.3 (MANE Select); 17 bases into the intron after coding-DNA position 1260, A replaced by G.
Molecular consequence: intron variant.
Genome position (GRCh38, 1-based): chrX:150,658,044, A>G. VCF-style: chrX-150658044-A-G. GRCh37 (hg19) VCF-style: chrX-149826517-A-G.
Other names: c.1260+17A>G (NM_001376908.1, NM_001376906.1); c.1149+17A>G (NM_001376907.1).
Identifiers: ClinVar variation 255621 (VCV000255621.14), dbSNP rs185258809, ClinGen allele CA10539224.

ClinVar aggregate classification (germline): Benign. Review status: criteria provided, multiple submitters, no conflicts (2 of 4 stars). 4 submissions from 4 submitters: Benign (4). Last evaluated 2026-02-04.

Conditions:
Severe X-linked myotubular myopathy (CNMX). Also called: MYOTUBULAR MYOPATHY 1; Myotubular myopathy, X-linked; X-linked centronuclear myopathy. Identifiers: Orphanet 596, MedGen C0410203, MONDO:0010683, OMIM 310400.

Allele frequency attached by ClinVar (database versions not stated): 1000 Genomes Project 30x 0.00250; 1000 Genomes Project 0.00265; ESP Exome Variant Server 0.00445; TOPMed 0.00544; gnomAD 0.00621 and 0.00687; gnomAD exomes 0.00670 and 0.00932; ExAC 0.00785.
gnomAD v4.1: 9,990 of 1,115,153 alleles (0.9%); highest among the groups gnomAD compares: Non-Finnish European, 1%; 44 homozygotes.

Submissions (4):

Labcorp Genetics (formerly Invitae), Labcorp
Classification: Benign for Severe X-linked myotubular myopathy. Last evaluated: 2026-02-04. Review status: criteria provided, single submitter. Criteria: Invitae Variant Classification Sherloc (09022015). Collection method: clinical testing. Allele origin: germline.

Eurofins Ntd Llc (ga)
Classification: Benign. Last evaluated: 2016-05-12. Review status: criteria provided, single submitter. Criteria: EGL Classification Definitions 2015. Collection method: clinical testing. Allele origin: germline. Observed: 2 variant alleles, 2 hemizygotes.

GeneDx
Classification: Benign. Last evaluated: 2016-03-07. Review status: criteria provided, single submitter. Criteria: GeneDx Variant Classification (06012015). Collection method: clinical testing. Allele origin: germline. Affected: yes.
Comment: This variant is considered likely benign or benign based on one or more of the following criteria: it is a conservative change, it occurs at a poorly conserved position in the protein, it is predicted to be benign by multiple in silico algorithms, and/or has population frequency not consistent with disease.

PreventionGenetics, part of Exact Sciences
Classification: Benign. Review status: criteria provided, single submitter. Criteria: ACMG Guidelines, 2015. Collection method: clinical testing. Allele origin: germline.